The following is an entry in ClinVar:

ClinVar aggregate classification (germline): Uncertain significance (1 of 4 stars; one submission).

Conditions:
Hereditary cancer-predisposing syndrome. Also called: Neoplastic Syndromes, Hereditary; Tumor predisposition; Hereditary neoplastic syndrome; Hereditary Cancer Syndrome. Identifiers: Orphanet 140162, MedGen C0027672, MeSH D009386, MONDO:0015356.

Submission:

Ambry Genetics
Classification: Uncertain significance for Hereditary cancer-predisposing syndrome. Last evaluated: 2023-01-08. Review status: criteria provided, single submitter. Criteria: Ambry Variant Classification Scheme 2023. Collection method: clinical testing. Allele origin: germline.
Comment: The p.I1310T variant (also known as c.3929T>C), located in coding exon 19 of the MET gene, results from a T to C substitution at nucleotide position 3929. The isoleucine at codon 1310 is replaced by threonine, an amino acid with similar properties. This amino acid position is conserved. In addition, this alteration is predicted to be deleterious by in silico analysis. Since supporting evidence is limited at this time, the clinical significance of this alteration remains unclear.

NM_000245.4(MET):c.3875T>C (p.Ile1292Thr)

Gene: MET (MET proto-oncogene, receptor tyrosine kinase; plus strand). Cytogenetic location: 7q31.2.
Variant type: single nucleotide variant.
Coding change: c.3875T>C on transcript NM_000245.4 (MANE Select); coding-DNA position 3875, T replaced by C.
Protein change: p.Ile1292Thr; replaces isoleucine 1292 with threonine.
Molecular consequence: missense variant.
Genome position (GRCh38, 1-based): chr7:116,795,731, T>C. VCF-style: chr7-116795731-T-C. GRCh37 (hg19) VCF-style: chr7-116435785-T-C.
Other names: c.3929T>C, p.Ile1310Thr (NM_001127500.3); c.2585T>C, p.Ile862Thr (NM_001324402.2); short protein forms I1292T, I1310T, I862T.
Identifiers: ClinVar variation 3232988 (VCV003232988.1), dbSNP rs2485872109, ClinGen allele CA369117891.